The following is an entry in ClinVar:

NM_002224.4(ITPR3):c.4530G>A (p.Glu1510=)

Gene: ITPR3 (inositol 1,4,5-trisphosphate receptor type 3; plus strand). Cytogenetic location: 6p21.31.
Variant type: single nucleotide variant.
Coding change: c.4530G>A on transcript NM_002224.4 (MANE Select); coding-DNA position 4530, G replaced by A.
Protein change: p.Glu1510=; no amino-acid change (glutamic acid 1510 retained).
Molecular consequence: synonymous variant.
Genome position (GRCh38, 1-based): chr6:33,682,577, G>A. VCF-style: chr6-33682577-G-A. GRCh37 (hg19) VCF-style: chr6-33650354-G-A.
Identifiers: ClinVar variation 4983080 (VCV004983080.1).

ClinVar aggregate classification (germline): Likely benign (1 of 4 stars; one submission).

Conditions:
ITPR3-related disorder. Also called: ITPR3-related condition.

gnomAD v4.1: 3 of 1,592,242 alleles (0.00019%); highest among the groups gnomAD compares: African/African-American, 0.0041%; no homozygotes.

Submission:

PreventionGenetics, part of Exact Sciences
Classification: Likely benign for ITPR3-related condition. Last evaluated: 2026-07-15. Review status: criteria provided, single submitter. Criteria: ACMG Guidelines, 2015. Collection method: clinical testing. Allele origin: germline.
Comment: This variant is classified as likely benign based on ACMG/AMP sequence variant interpretation guidelines (Richards et al. 2015 PMID: 25741868, with internal and published modifications).